The following is an entry in ClinVar:

ClinVar aggregate classification (germline): Benign/Likely benign. Review status: criteria provided, multiple submitters, no conflicts (2 of 4 stars). 4 submissions from 4 submitters: Benign (1); Likely benign (2). 1 of the submissions does not count toward it. Last evaluated 2025-11-06.

Conditions:
LCAT-related disorder. Also called: LCAT-related condition.
Cardiovascular phenotype. Identifiers: MedGen CN230736.

Allele frequency attached by ClinVar (database versions not stated): ESP Exome Variant Server 0.00008; TOPMed 0.00023; 1000 Genomes Project 30x 0.00047; 1000 Genomes Project 0.00060; gnomAD exomes 0.00066 and 0.00109; ExAC 0.00089; gnomAD 0.00109 and 0.00115.
gnomAD v4.1: 1,133 of 1,613,130 alleles (0.07%); highest among the groups gnomAD compares: Middle Eastern, 0.049%; 5 homozygotes.

Submissions (4):

Labcorp Genetics (formerly Invitae), Labcorp
Classification: Benign. Last evaluated: 2025-11-06. Review status: criteria provided, single submitter. Criteria: Invitae Variant Classification Sherloc (09022015). Collection method: clinical testing. Allele origin: germline.

Blueprint Genetics
Classification: Likely benign. Last evaluated: 2024-11-25. Review status: criteria provided, single submitter. Criteria: ACMG Guidelines, 2015. Collection method: clinical testing. Allele origin: germline.

Ambry Genetics
Classification: Likely benign for Cardiovascular phenotype. Last evaluated: 2021-05-10. Review status: criteria provided, single submitter. Criteria: Ambry Variant Classification Scheme 2023. Collection method: clinical testing. Allele origin: germline.

PreventionGenetics, part of Exact Sciences
Classification: Benign for LCAT-related condition. Last evaluated: 2019-07-16. Review status: no assertion criteria provided. Collection method: clinical testing. Allele origin: germline. Not counted in ClinVar's aggregate classification.
Comment: This variant is classified as benign based on ACMG/AMP sequence variant interpretation guidelines (Richards et al. 2015 PMID: 25741868, with internal and published modifications).

NM_000229.2(LCAT):c.1132G>A (p.Glu378Lys)

Gene: LCAT (lecithin-cholesterol acyltransferase; minus strand). Cytogenetic location: 16q22.1.
Variant type: single nucleotide variant.
Coding change: c.1132G>A on transcript NM_000229.2 (MANE Select); coding-DNA position 1132, G replaced by A.
Protein change: p.Glu378Lys; replaces glutamic acid 378 with lysine.
Molecular consequence: missense variant.
Genome position (GRCh38, 1-based): chr16:67,940,095, C>T on the plus strand (G>A on the coding strand, the complement: LCAT is on the minus strand). VCF-style: chr16-67940095-C-T. GRCh37 (hg19) VCF-style: chr16-67973998-C-T.
Other names: short protein forms E378K.
Identifiers: ClinVar variation 1601778 (VCV001601778.13), dbSNP rs145126045, ClinGen allele CA8120885.